The following is an entry in ClinVar:

ClinVar aggregate classification (germline): Conflicting classifications of pathogenicity. Review status: criteria provided, conflicting classifications (1 of 4 stars). 6 submissions from 2 submitters: Uncertain significance (4); Benign (1); Likely benign (1). Last evaluated 2026-02-09.

Conditions:
Early-onset myopathy with fatal cardiomyopathy (CMYO5). Also called: CONGENITAL MYOPATHY 5 WITH CARDIOMYOPATHY; Salih Myopathy. Identifiers: Orphanet 289377, MedGen C2673677, MONDO:0012714, OMIM 611705. Disease mechanism: loss of function.
Autosomal recessive limb-girdle muscular dystrophy type 2J (LGMDR10). Also called: Limb-girdle muscular dystrophy, type 2J; MUSCULAR DYSTROPHY, LIMB-GIRDLE, AUTOSOMAL RECESSIVE 10. Identifiers: Orphanet 140922, MedGen C1837342, MONDO:0012127, OMIM 608807.
Dilated cardiomyopathy 1G (CMD1G). Identifiers: Orphanet 154, MedGen C1858763, MONDO:0011400, OMIM 604145.
Myopathy, myofibrillar, 9, with early respiratory failure (MFM9). Also called: EDSTROM MYOPATHY; MYOPATHY, PROXIMAL, WITH EARLY RESPIRATORY MUSCLE INVOLVEMENT; Myopathy, distal, with early respiratory failure, autosomal dominant; Hereditary myopathy with early respiratory failure. Identifiers: Orphanet 178464, Orphanet 34521, MedGen C1863599, MONDO:0011362, OMIM 603689.
Tibial muscular dystrophy (TMD). Also called: Tibial muscular dystrophy, tardive; UDD MYOPATHY; Udd Distal Myopathy – Tibial Muscular Dystrophy. Identifiers: Orphanet 609, MedGen C1838244, MONDO:0010870, OMIM 600334.

Allele frequency attached by ClinVar (database versions not stated): TOPMed 0.00002; ESP Exome Variant Server 0.00017.
gnomAD v4.1: 31 of 1,610,724 alleles (0.0019%); highest among the groups gnomAD compares: Non-Finnish European, 0.0026%; no homozygotes.

Submissions (6):

Women's Health and Genetics/Laboratory Corporation of America, LabCorp
Classification: Uncertain significance. Last evaluated: 2026-02-09. Review status: criteria provided, single submitter. Criteria: LabCorp Variant Classification Summary - May 2015. Collection method: clinical testing. Allele origin: germline.
Comment: Variant summary: TTN c.34342G>C (p.Gly11448Arg) results in a non-conservative amino acid change in the encoded protein sequence. Algorithms developed to predict the effect of missense changes on protein structure and function are either unavailable or do not agree on the potential impact of this missense change. The variant allele was found at a frequency of 1.2e-05 in 245884 control chromosomes. The available data on variant occurrences in the general population are insufficient to allow any conclusion about variant significance. c.34342G>C has been observed in the presumed heterozygous state in at least 1 individual(s) affected with Dilated Cardiomyopathy (Mazzarotto_2020) without strong evidence for causality. These report(s) do not provide unequivocal conclusions about association of the variant with TTN-related conditions. To our knowledge, no experimental evidence demonstrating an impact on protein function has been reported. The following publication has been ascertained in the context of this evaluation (PMID: 31983221). ClinVar contains an entry for this variant (Variation ID: 894204). Based on the evidence outlined above, the variant was classified as uncertain significance.

Illumina Laboratory Services, Illumina
Classification: Benign for Tibial muscular dystrophy. Last evaluated: 2018-01-12. Review status: criteria provided, single submitter. Criteria: ICSL Variant Classification Criteria 13 December 2019. Collection method: clinical testing. Allele origin: germline.
Comment: This variant was observed in the ICSL laboratory as part of a predisposition screen in an ostensibly healthy population. It had not been previously curated by ICSL or reported in the Human Gene Mutation Database (HGMD: prior to June 1st, 2018), and was therefore a candidate for classification through an automated scoring system. Utilizing variant allele frequency, disease prevalence and penetrance estimates, and inheritance mode, an automated score was calculated to assess if this variant is too frequent to cause the disease. Based on the score and internal cut-off values, a variant classified as benign is not then subjected to further curation. The score for this variant resulted in a classification of benign for this disease.

Illumina Laboratory Services, Illumina
Classification: Uncertain significance for Dilated cardiomyopathy 1G. Last evaluated: 2018-01-12. Review status: criteria provided, single submitter. Criteria: ICSL Variant Classification Criteria 13 December 2019. Collection method: clinical testing. Allele origin: germline.

Illumina Laboratory Services, Illumina
Classification: Uncertain significance for Autosomal recessive limb-girdle muscular dystrophy type 2J. Last evaluated: 2018-01-12. Review status: criteria provided, single submitter. Criteria: ICSL Variant Classification Criteria 13 December 2019. Collection method: clinical testing. Allele origin: germline.

Illumina Laboratory Services, Illumina
Classification: Uncertain significance for Early-onset myopathy with fatal cardiomyopathy. Last evaluated: 2018-01-12. Review status: criteria provided, single submitter. Criteria: ICSL Variant Classification Criteria 13 December 2019. Collection method: clinical testing. Allele origin: germline.

Illumina Laboratory Services, Illumina
Classification: Likely benign for Myopathy, myofibrillar, 9, with early respiratory failure. Last evaluated: 2018-01-12. Review status: criteria provided, single submitter. Criteria: ICSL Variant Classification Criteria 13 December 2019. Collection method: clinical testing. Allele origin: germline.
Comment: This variant was observed in the ICSL laboratory as part of a predisposition screen in an ostensibly healthy population. It had not been previously curated by ICSL or reported in the Human Gene Mutation Database (HGMD: prior to June 1st, 2018), and was therefore a candidate for classification through an automated scoring system. Utilizing variant allele frequency, disease prevalence and penetrance estimates, and inheritance mode, an automated score was calculated to assess if this variant is too frequent to cause the disease. Based on the score and internal cut-off values, a variant classified as likely benign is not then subjected to further curation. The score for this variant resulted in a classification of likely benign for this disease.

Literature cited by the submitters: PubMed 31983221 (cited by Women's Health and Genetics/Laboratory Corporation of America, LabCorp).

NM_001267550.2(TTN):c.42046G>C (p.Gly14016Arg)

Gene: TTN (titin; minus strand). Cytogenetic location: 2q31.2.
Variant type: single nucleotide variant.
Coding change: c.42046G>C on transcript NM_001267550.2 (MANE Select); coding-DNA position 42046, G replaced by C.
Protein change: p.Gly14016Arg; replaces glycine 14016 with arginine.
Molecular consequence: missense variant.
Genome position (GRCh38, 1-based): chr2:178,634,828, C>G on the plus strand (G>C on the coding strand, the complement: TTN is on the minus strand). VCF-style: chr2-178634828-C-G. GRCh37 (hg19) VCF-style: chr2-179499555-C-G.
Other names: c.37123G>C, p.Gly12375Arg (NM_001256850.1); c.14851G>C, p.Gly4951Arg (NM_003319.4); c.34342G>C, p.Gly11448Arg (NM_133378.4); c.15226G>C, p.Gly5076Arg (NM_133432.3); c.15427G>C, p.Gly5143Arg (NM_133437.4); short protein forms G14016R, G4951R, G5076R, G11448R, G12375R, G5143R.
Identifiers: ClinVar variation 894204 (VCV000894204.5), dbSNP rs367751077, ClinGen allele CA1996150.